The following is an entry in ClinVar:

ClinVar aggregate classification (germline): Conflicting classifications of pathogenicity. Review status: criteria provided, conflicting classifications (1 of 4 stars). 2 submissions from 2 submitters: Uncertain significance (1); Likely benign (1). Last evaluated 2025-10-26.

Conditions:
Dilated cardiomyopathy 1G (CMD1G). Identifiers: Orphanet 154, MedGen C1858763, MONDO:0011400, OMIM 604145.
Autosomal recessive limb-girdle muscular dystrophy type 2J (LGMDR10). Also called: Limb-girdle muscular dystrophy, type 2J; MUSCULAR DYSTROPHY, LIMB-GIRDLE, AUTOSOMAL RECESSIVE 10. Identifiers: Orphanet 140922, MedGen C1837342, MONDO:0012127, OMIM 608807.

Allele frequency attached by ClinVar (database versions not stated): TOPMed below 0.00001; gnomAD 0.00001; gnomAD exomes 0.00001 and 0.00002.
gnomAD v4.1: 25 of 1,613,678 alleles (0.0015%); highest among the groups gnomAD compares: African/African-American, 0.0013%; no homozygotes.

Submissions (2):

Labcorp Genetics (formerly Invitae), Labcorp
Classification: Likely benign for Dilated cardiomyopathy 1G; Autosomal recessive limb-girdle muscular dystrophy type 2J. Last evaluated: 2025-10-26. Review status: criteria provided, single submitter. Criteria: Invitae Variant Classification Sherloc (09022015). Collection method: clinical testing. Allele origin: germline.

GeneDx
Classification: Uncertain significance. Last evaluated: 2022-10-04. Review status: criteria provided, single submitter. Criteria: GeneDx Variant Classification Process June 2021. Collection method: clinical testing. Allele origin: germline. Affected: yes.
Comment: Has not been previously published as pathogenic or benign to our knowledge; Not observed at significant frequency in large population cohorts (gnomAD); In silico analysis suggests this variant may impact gene splicing. In the absence of RNA/functional studies, the actual effect of this sequence change is unknown.; This variant is associated with the following publications: (PMID: 27625338, 27869827)

NM_001267550.2(TTN):c.26373T>C (p.Ile8791=)

Gene: TTN (titin; minus strand). Cytogenetic location: 2q31.2.
Variant type: single nucleotide variant.
Coding change: c.26373T>C on transcript NM_001267550.2 (MANE Select); coding-DNA position 26373, T replaced by C.
Protein change: p.Ile8791=; no amino-acid change (isoleucine 8791 retained).
Molecular consequence: synonymous variant. On other transcripts: intron variant (3).
Genome position (GRCh38, 1-based): chr2:178,714,401, A>G on the plus strand (T>C on the coding strand, the complement: TTN is on the minus strand). VCF-style: chr2-178714401-A-G. GRCh37 (hg19) VCF-style: chr2-179579128-A-G.
Other names: c.25422T>C, p.Ile8474= (NM_001256850.1); c.22641T>C, p.Ile7547= (NM_133378.4); c.13282+23681T>C (NM_003319.4); c.13858+23681T>C (NM_133437.4); c.13657+23681T>C (NM_133432.3); c.26373T>C (NM_001267550.1).
Identifiers: ClinVar variation 752673 (VCV000752673.11), dbSNP rs949446550, ClinGen allele CA60968178.
Genomic context (GRCh38, chr2:178,714,401, plus strand): 5'-GATCTGACAAGTGTATTTTCCAGCATTGGCTGGTTCCACTCTTGAAAACTGTAAGGTTGC[A>G]ATGTTTTCTGAATAAGAAATCCATATGTTGTCACTTTCTCTAACGATTTCTCCCTTATCT-3'
Protein context (NP_001254479.2, residues 8781-8801): DNIWISYSEN[Ile8791=]ATLQFSRVEP